The following is an entry in ClinVar:

ClinVar aggregate classification (germline): Uncertain significance (1 of 4 stars; one submission).

Conditions:
Early Myoclonic Encephalopathy. Identifiers: MedGen C0270855.

gnomAD v4.1: 4 of 1,588,876 alleles (0.00025%); highest among the groups gnomAD compares: Non-Finnish European, 0.00034%; no homozygotes.

Submission:

Labcorp Genetics (formerly Invitae), Labcorp
Classification: Uncertain significance for Early Myoclonic Encephalopathy. Last evaluated: 2024-06-22. Review status: criteria provided, single submitter. Criteria: Invitae Variant Classification Sherloc (09022015). Collection method: clinical testing. Allele origin: germline.
Comment: This sequence change replaces aspartic acid, which is acidic and polar, with glycine, which is neutral and non-polar, at codon 137 of the JMJD1C protein (p.Asp137Gly). This variant is not present in population databases (gnomAD no frequency). This variant has not been reported in the literature in individuals affected with JMJD1C-related conditions. An algorithm developed to predict the effect of missense changes on protein structure and function (PolyPhen-2) suggests that this variant is likely to be disruptive. In summary, the available evidence is currently insufficient to determine the role of this variant in disease. Therefore, it has been classified as a Variant of Uncertain Significance.

NM_032776.3(JMJD1C):c.410A>G (p.Asp137Gly)

Gene: JMJD1C (jumonji domain containing 1C; minus strand). Cytogenetic location: 10q21.3.
Variant type: single nucleotide variant.
Coding change: c.410A>G on transcript NM_032776.3 (MANE Select); coding-DNA position 410, A replaced by G.
Protein change: p.Asp137Gly; replaces aspartic acid 137 with glycine.
Molecular consequence: missense variant. On other transcripts: 5 prime UTR variant (5), intron variant (1).
Genome position (GRCh38, 1-based): chr10:63,264,688, T>C on the plus strand (A>G on the coding strand, the complement: JMJD1C is on the minus strand). VCF-style: chr10-63264688-T-C. GRCh37 (hg19) VCF-style: chr10-65024448-T-C.
Other names: c.-137A>G (NM_001282948.2, NM_001318154.2); c.-459A>G (NM_001318153.2); c.-142A>G (NM_001322254.2, NM_001322258.2); c.334-44705A>G (NM_001322252.2); short protein forms D137G.
Identifiers: ClinVar variation 3668923 (VCV003668923.2).